The following is an entry in ClinVar:

NM_201384.3(PLEC):c.13273C>G (p.Leu4425Val)

Gene: PLEC (plectin; minus strand). Cytogenetic location: 8q24.3.
Variant type: single nucleotide variant.
Coding change: c.13273C>G on transcript NM_201384.3 (MANE Select); coding-DNA position 13273, C replaced by G.
Protein change: p.Leu4425Val; replaces leucine 4425 with valine.
Molecular consequence: missense variant.
Genome position (GRCh38, 1-based): chr8:143,916,548, G>C on the plus strand (C>G on the coding strand, the complement: PLEC is on the minus strand). VCF-style: chr8-143916548-G-C. GRCh37 (hg19) VCF-style: chr8-144990716-G-C.
Other names: c.13354C>G, p.Leu4452Val (NM_000445.5); c.13231C>G, p.Leu4411Val (NM_201378.4); c.13207C>G, p.Leu4403Val (NM_201379.3); c.13684C>G, p.Leu4562Val (NM_201380.4); c.13177C>G, p.Leu4393Val (NM_201381.3); c.13273C>G, p.Leu4425Val (NM_201382.4); c.13285C>G, p.Leu4429Val (NM_201383.3); short protein forms L4425V, L4393V, L4429V, L4452V, L4411V, L4562V, L4403V.
Identifiers: ClinVar variation 1404601 (VCV001404601.8), dbSNP rs1820629025, ClinGen allele CA372475747.

ClinVar aggregate classification (germline): Uncertain significance (1 of 4 stars; one submission).

Conditions:
Epidermolysis bullosa simplex 5C, with pyloric atresia (EBS5C). Also called: Epidermolysis bullosa simplex with pyloric atresia; PLEC-Related Epidermolysis Bullosa with Pyloric Atresia; PLEC1-Related Epidermolysis Bullosa with Pyloric Atresia. Identifiers: Orphanet 158684, MedGen C2677349, MONDO:0012807, OMIM 612138.
Epidermolysis bullosa simplex with nail dystrophy (EBS5D). Identifiers: MedGen C4225309, MONDO:0014661, OMIM 616487.
Epidermolysis bullosa simplex 5B, with muscular dystrophy (EBS5B). Also called: Epidermolysis bullosa simplex with muscular dystrophy; EPIDERMOLYSIS BULLOSA SIMPLEX AND LIMB-GIRDLE MUSCULAR DYSTROPHY. Identifiers: Orphanet 257, MedGen C2931072, MONDO:0009181, OMIM 226670.
Autosomal recessive limb-girdle muscular dystrophy type 2Q (LGMDR17). Also called: MUSCULAR DYSTROPHY, LIMB-GIRDLE, AUTOSOMAL RECESSIVE 17. Identifiers: Orphanet 254361, MedGen C3150989, MONDO:0013390, OMIM 613723.
Epidermolysis bullosa simplex, Ogna type (EBS5A). Also called: Pidermolysis bullosa simplex 5A, Ogna type; EPIDERMOLYSIS BULLOSA SIMPLEX 5A, OGNA TYPE. Identifiers: Orphanet 79401, MedGen C0432317, MONDO:0007555, OMIM 131950.

Submission:

Labcorp Genetics (formerly Invitae), Labcorp
Classification: Uncertain significance for Autosomal recessive limb-girdle muscular dystrophy type 2Q; Epidermolysis bullosa simplex, Ogna type; Epidermolysis bullosa simplex with nail dystrophy; Epidermolysis bullosa simplex 5C, with pyloric atresia; Epidermolysis bullosa simplex 5B, with muscular dystrophy. Last evaluated: 2021-01-21. Review status: criteria provided, single submitter. Criteria: Invitae Variant Classification Sherloc (09022015). Collection method: clinical testing. Allele origin: germline.
Comment: This sequence change replaces leucine with valine at codon 4452 of the PLEC protein (p.Leu4452Val). The leucine residue is highly conserved and there is a small physicochemical difference between leucine and valine. This variant is not present in population databases (ExAC no frequency). This variant has not been reported in the literature in individuals with PLEC-related conditions. Algorithms developed to predict the effect of missense changes on protein structure and function (SIFT, PolyPhen-2, Align-GVGD) all suggest that this variant is likely to be disruptive, but these predictions have not been confirmed by published functional studies and their clinical significance is uncertain. Algorithms developed to predict the effect of sequence changes on RNA splicing suggest that this variant may create or strengthen a splice site, but this prediction has not been confirmed by published transcriptional studies. In summary, the available evidence is currently insufficient to determine the role of this variant in disease. Therefore, it has been classified as a Variant of Uncertain Significance.